The following is an entry in ClinVar:

ClinVar aggregate classification (germline): Uncertain significance. Review status: criteria provided, multiple submitters, no conflicts (2 of 4 stars). 4 submissions from 4 submitters: Uncertain significance (4). Last evaluated 2025-08-19.

Conditions:
Inborn genetic diseases. Identifiers: MedGen C0950123, MeSH D030342.

Allele frequency attached by ClinVar (database versions not stated): gnomAD 0.00010; gnomAD exomes 0.00011 and 0.00015; 1000 Genomes Project 30x 0.00016; 1000 Genomes Project 0.00020; TOPMed 0.00025; ExAC 0.00029.
gnomAD v4.1: 226 of 1,590,728 alleles (0.014%); highest among the groups gnomAD compares: Middle Eastern, 0.05%; no homozygotes.

Submissions (4):

GeneDx
Classification: Uncertain significance. Last evaluated: 2025-08-19. Review status: criteria provided, single submitter. Criteria: GeneDx Variant Classification Process June 2021. Collection method: clinical testing. Allele origin: germline. Affected: yes.
Comment: In silico analysis supports that this missense variant has a deleterious effect on protein structure/function; Has not been previously published as pathogenic or benign to our knowledge

Ambry Genetics
Classification: Uncertain significance for Inborn genetic diseases. Last evaluated: 2024-11-19. Review status: criteria provided, single submitter. Criteria: Ambry Variant Classification Scheme 2023. Collection method: clinical testing. Allele origin: germline.

Labcorp Genetics (formerly Invitae), Labcorp
Classification: Uncertain significance. Last evaluated: 2022-09-13. Review status: criteria provided, single submitter. Criteria: Invitae Variant Classification Sherloc (09022015). Collection method: clinical testing. Allele origin: germline.
Comment: This sequence change replaces arginine, which is basic and polar, with cysteine, which is neutral and slightly polar, at codon 532 of the ILDR1 protein (p.Arg532Cys). This variant is present in population databases (rs201511787, gnomAD 0.01%). This variant has not been reported in the literature in individuals affected with ILDR1-related conditions. ClinVar contains an entry for this variant (Variation ID: 1315006). Algorithms developed to predict the effect of missense changes on protein structure and function output the following: SIFT: "Tolerated"; PolyPhen-2: "Probably Damaging"; Align-GVGD: "Class C0". The cysteine amino acid residue is found in multiple mammalian species, which suggests that this missense change does not adversely affect protein function. In summary, the available evidence is currently insufficient to determine the role of this variant in disease. Therefore, it has been classified as a Variant of Uncertain Significance.

Breakthrough Genomics
Classification: Uncertain significance. Review status: criteria provided, single submitter. Criteria: ACMG Guidelines, 2015. Collection method: not provided. Allele origin: germline. Inheritance: Autosomal recessive inheritance. Affected: yes.

NM_001199799.2(ILDR1):c.1594C>T (p.Arg532Cys)

Gene: ILDR1 (immunoglobulin like domain containing receptor 1; minus strand). Cytogenetic location: 3q13.33.
Variant type: single nucleotide variant.
Coding change: c.1594C>T on transcript NM_001199799.2 (MANE Select); coding-DNA position 1594, C replaced by T.
Protein change: p.Arg532Cys; replaces arginine 532 with cysteine.
Molecular consequence: missense variant.
Genome position (GRCh38, 1-based): chr3:121,993,155, G>A on the plus strand (C>T on the coding strand, the complement: ILDR1 is on the minus strand). VCF-style: chr3-121993155-G-A. GRCh37 (hg19) VCF-style: chr3-121712002-G-A.
Other names: c.1327C>T, p.Arg443Cys (NM_001199800.2); c.1462C>T, p.Arg488Cys (NM_175924.4); short protein forms R443C, R488C, R532C.
Identifiers: ClinVar variation 1315006 (VCV001315006.7), dbSNP rs201511787, ClinGen allele CA2568617.